The following is an entry in ClinVar:

ClinVar aggregate classification (germline): Pathogenic. Review status: reviewed by expert panel (3 of 4 stars). 5 submissions from 5 submitters: Pathogenic (1). 4 of the submissions do not count toward it. Last evaluated 2016-10-18.

Conditions:
Hereditary cancer-predisposing syndrome. Also called: Tumor predisposition; Neoplastic Syndromes, Hereditary; Hereditary neoplastic syndrome; Hereditary Cancer Syndrome. Identifiers: Orphanet 140162, MedGen C0027672, MeSH D009386, MONDO:0015356.
Hereditary breast ovarian cancer syndrome. Also called: Hereditary breast and ovarian cancer; Hereditary breast and ovarian cancer syndrome (HBOC); Hereditary breast and/or ovarian cancer syndrome; Breast and ovarian cancer; Hereditary breast and ovarian cancer syndrome; BRCA1- and BRCA2-Associated Hereditary Breast and Ovarian Cancer. Identifiers: Orphanet 145, MedGen C0677776, MeSH D061325, MONDO:0003582. Disease mechanism: loss of function.
Breast-ovarian cancer, familial, susceptibility to, 2 (BROVCA2). Also called: BRCA2 Hereditary Breast and Ovarian Cancer. Identifiers: Orphanet 145, MedGen C2675520, MONDO:0012933, OMIM 612555. Disease mechanism: loss of function.

gnomAD v4.1: 1 of 1,614,082 alleles (0.000062%); highest among the groups gnomAD compares: Non-Finnish European, 0.000085%; no homozygotes.

Submissions (5):

Evidence-based Network for the Interpretation of Germline Mutant Alleles (ENIGMA)
Classification: Pathogenic for Breast-ovarian cancer, familial, susceptibility to, 2. Last evaluated: 2016-10-18. Review status: reviewed by expert panel. Criteria: ENIGMA BRCA1/2 Classification Criteria (2015). Collection method: curation. Allele origin: germline.
Comment: Variant allele predicted to encode a truncated non-functional protein.

Molecular Pathology, Peter Maccallum Cancer Centre
Classification: Pathogenic for Breast-ovarian cancer, familial, susceptibility to, 2. Last evaluated: 2024-11-21. Review status: criteria provided, single submitter. Criteria: ACMG Guidelines, 2015. Collection method: clinical testing. Allele origin: germline. Inheritance: Autosomal dominant inheritance. Not counted in ClinVar's aggregate classification.

Color Diagnostics, LLC DBA Color Health
Classification: Pathogenic for Hereditary cancer-predisposing syndrome. Last evaluated: 2024-08-26. Review status: criteria provided, single submitter. Criteria: ACMG Guidelines, 2015. Collection method: clinical testing. Allele origin: germline. Not counted in ClinVar's aggregate classification.
Comment: This variant changes 1 nucleotide in exon 11 of the BRCA2 gene, creating a premature translation stop signal. This variant is expected to result in an absent or non-functional protein product. This variant has been reported in an individual affected with breast cancer (PMID: 31753525), and a second individual affected with breast and ovarian cancer who has a heterozygous mutation in BRCA1 c.548-?_4185+?del (PMID: 27836010). This variant has not been identified in the general population by the Genome Aggregation Database (gnomAD). Loss of BRCA2 function is a known mechanism of disease. Based on the available evidence, this variant is classified as Pathogenic.

Labcorp Genetics (formerly Invitae), Labcorp
Classification: Pathogenic for Hereditary breast ovarian cancer syndrome. Last evaluated: 2021-09-18. Review status: criteria provided, single submitter. Criteria: Invitae Variant Classification Sherloc (09022015). Collection method: clinical testing. Allele origin: germline. Not counted in ClinVar's aggregate classification.
Comment: This variant is not present in population databases (ExAC no frequency). This premature translational stop signal has been observed in individual(s) with breast and/or ovarian cancer (PMID: 27836010). ClinVar contains an entry for this variant (Variation ID: 266692). For these reasons, this variant has been classified as Pathogenic. This sequence change creates a premature translational stop signal (p.Lys757*) in the BRCA2 gene. It is expected to result in an absent or disrupted protein product. Loss-of-function variants in BRCA2 are known to be pathogenic (PMID: 20104584).

Ambry Genetics
Classification: Pathogenic for Hereditary cancer-predisposing syndrome. Last evaluated: 2021-05-06. Review status: criteria provided, single submitter. Criteria: Ambry Variant Classification Scheme 2023. Collection method: clinical testing. Allele origin: germline. Not counted in ClinVar's aggregate classification.
Comment: The p.K757* variant (also known as c.2269A>T), located in coding exon 10 of the BRCA2 gene, results from an A to T substitution at nucleotide position 2269. This changes the amino acid from a lysine to a stop codon within coding exon 10. This alteration is expected to result in loss of function by premature protein truncation or nonsense-mediated mRNA decay. As such, this alteration is interpreted as a disease-causing mutation.

Literature cited by the submitters: PubMed 27836010 (cited by Color Diagnostics, LLC DBA Color Health and Labcorp Genetics (formerly Invitae), Labcorp); PubMed 31753525 (cited by Color Diagnostics, LLC DBA Color Health); PubMed 20104584 (cited by Labcorp Genetics (formerly Invitae), Labcorp).

NM_000059.4(BRCA2):c.2269A>T (p.Lys757Ter)

Gene: BRCA2 (BRCA2 DNA repair associated; plus strand). Cytogenetic location: 13q13.1.
Variant type: single nucleotide variant.
Coding change: c.2269A>T on transcript NM_000059.4 (MANE Select); coding-DNA position 2269, A replaced by T.
Protein change: p.Lys757Ter; replaces lysine 757 with a stop codon.
Molecular consequence: nonsense.
Genome position (GRCh38, 1-based): chr13:32,336,624, A>T. VCF-style: chr13-32336624-A-T. GRCh37 (hg19) VCF-style: chr13-32910761-A-T.
Other names: 2497A>T; short protein forms K757*.
Identifiers: ClinVar variation 266692 (VCV000266692.20), dbSNP rs886040419, ClinGen allele CA10589148.